The following is an entry in ClinVar:

ClinVar aggregate classification (germline): Uncertain significance (1 of 4 stars; one submission).

Conditions:
Brugada syndrome 6 (BRGDA6). Identifiers: Orphanet 130, MedGen C2751089, MONDO:0013145, OMIM 613119.

Allele frequency attached by ClinVar (database versions not stated): gnomAD exomes 0.00001; TOPMed 0.00001; ExAC 0.00003.
gnomAD v4.1: 25 of 1,614,190 alleles (0.0015%); highest among the groups gnomAD compares: Non-Finnish European, 0.0013%; 1 homozygote.

Submission:

Labcorp Genetics (formerly Invitae), Labcorp
Classification: Uncertain significance for Brugada syndrome 6. Last evaluated: 2024-04-29. Review status: criteria provided, single submitter. Criteria: Invitae Variant Classification Sherloc (09022015). Collection method: clinical testing. Allele origin: germline.
Comment: This sequence change replaces leucine, which is neutral and non-polar, with methionine, which is neutral and non-polar, at codon 14 of the KCNE3 protein (p.Leu14Met). This variant is present in population databases (rs752765414, gnomAD 0.004%). This variant has not been reported in the literature in individuals affected with KCNE3-related conditions. ClinVar contains an entry for this variant (Variation ID: 2416327). An algorithm developed to predict the effect of missense changes on protein structure and function (PolyPhen-2) suggests that this variant is likely to be tolerated. In summary, the available evidence is currently insufficient to determine the role of this variant in disease. Therefore, it has been classified as a Variant of Uncertain Significance.

NM_005472.5(KCNE3):c.40C>A (p.Leu14Met)

Gene: KCNE3 (potassium voltage-gated channel subfamily E regulatory subunit 3; minus strand). Cytogenetic location: 11q13.4.
Variant type: single nucleotide variant.
Coding change: c.40C>A on transcript NM_005472.5 (MANE Select); coding-DNA position 40, C replaced by A.
Protein change: p.Leu14Met; replaces leucine 14 with methionine.
Molecular consequence: missense variant.
Genome position (GRCh38, 1-based): chr11:74,457,524, G>T on the plus strand (C>A on the coding strand, the complement: KCNE3 is on the minus strand). VCF-style: chr11-74457524-G-T. GRCh37 (hg19) VCF-style: chr11-74168569-G-T.
Other names: short protein forms L14M.
Identifiers: ClinVar variation 2416327 (VCV002416327.6), dbSNP rs752765414, ClinGen allele CA6184869.